The following is an entry in ClinVar:

ClinVar aggregate classification (germline): Uncertain significance. Review status: criteria provided, multiple submitters, no conflicts (2 of 4 stars). 4 submissions from 3 submitters: Uncertain significance (4). Last evaluated 2025-02-13.

Conditions:
Autoimmune lymphoproliferative syndrome type 2A (ALPS2A). Also called: CASP10-Related Autoimmune Lymphoproliferative Syndrome; AUTOIMMUNE LYMPHOPROLIFERATIVE SYNDROME, TYPE IIA; Autoimmune lymphoproliferative syndrome type 2. Identifiers: Orphanet 3261, MedGen C1858968, MONDO:0011383, OMIM 603909.
Gastric cancer. Also called: Malignant tumor of stomach; Stomach cancer. Identifiers: MedGen C0024623, MeSH D013274, MONDO:0001056, OMIM 613659, HP:0012126.
Lymphoma, non-Hodgkin, familial. Identifiers: MedGen C4721532, MONDO:0011508, OMIM 605027.
Neoplasm of stomach. Also called: Stomach Neoplasms; Neoplasm of the stomach; Gastric neoplasm. Identifiers: MedGen C0038356, MONDO:0021085, HP:0006753. Disease mechanism: gain of function. Inheritance: Somatic mutation.

Submissions (4):

GeneDx
Classification: Uncertain significance. Last evaluated: 2025-02-13. Review status: criteria provided, single submitter. Criteria: GeneDx Variant Classification Process June 2021. Collection method: clinical testing. Allele origin: germline. Affected: yes.
Comment: Not observed at significant frequency in large population cohorts (gnomAD); In silico analysis supports that this missense variant does not alter protein structure/function; Has not been previously published as pathogenic or benign to our knowledge

Labcorp Genetics (formerly Invitae), Labcorp
Classification: Uncertain significance for Autoimmune lymphoproliferative syndrome type 2A. Last evaluated: 2023-04-03. Review status: criteria provided, single submitter. Criteria: Invitae Variant Classification Sherloc (09022015). Collection method: clinical testing. Allele origin: germline.
Comment: This sequence change replaces threonine, which is neutral and polar, with isoleucine, which is neutral and non-polar, at codon 424 of the CASP10 protein (p.Thr424Ile). This variant is not present in population databases (gnomAD no frequency). This variant has not been reported in the literature in individuals affected with CASP10-related conditions. ClinVar contains an entry for this variant (Variation ID: 625903). Advanced modeling of protein sequence and biophysical properties (such as structural, functional, and spatial information, amino acid conservation, physicochemical variation, residue mobility, and thermodynamic stability) performed at Invitae indicates that this missense variant is not expected to disrupt CASP10 protein function. In summary, the available evidence is currently insufficient to determine the role of this variant in disease. Therefore, it has been classified as a Variant of Uncertain Significance.

Center for Genomics, Ann and Robert H. Lurie Children's Hospital of Chicago
Classification: Uncertain significance for Autoimmune lymphoproliferative syndrome type 2A; Gastric cancer. Last evaluated: 2018-11-19. Review status: criteria provided, single submitter. Criteria: ACMG Guidelines, 2015. Collection method: clinical testing. Allele origin: germline.
Comment: CASP10 NM_032977.3 exon 9 p.Thr424Ile (c.1271C>T): This variant has not been reported in the literature and is not present in large control databases. This variant amino acid Threonine (Thr) is present in 3 species (Turkey, American Alligator and Lizard) and is not well conserved among evolutionarily distant species; this suggests that this variant may not impact the protein. Additional computational prediction tools do not suggest an impact. In summary, data on this variant is insufficient for disease classification. Therefore, the clinical significance of this variant is uncertain.

Center for Genomics, Ann and Robert H. Lurie Children's Hospital of Chicago
Classification: Uncertain significance for Autoimmune lymphoproliferative syndrome type 2A; Gastric cancer; Lymphoma, non-Hodgkin, familial. Review status: criteria provided, single submitter. Criteria: ACMG Guidelines, 2015. Collection method: clinical testing. Allele origin: germline.
Comment: the same text as in the submission from Center for Genomics, Ann and Robert H. Lurie Children's Hospital of Chicago above.

NM_032977.4(CASP10):c.1271C>T (p.Thr424Ile)

Gene: CASP10 (caspase 10; plus strand). Cytogenetic location: 2q33.1.
Variant type: single nucleotide variant.
Coding change: c.1271C>T on transcript NM_032977.4 (MANE Select); coding-DNA position 1271, C replaced by T.
Protein change: p.Thr424Ile; replaces threonine 424 with isoleucine.
Molecular consequence: missense variant. On other transcripts: 3 prime UTR variant (1).
Genome position (GRCh38, 1-based): chr2:201,209,418, C>T. VCF-style: chr2-201209418-C-T. GRCh37 (hg19) VCF-style: chr2-202074141-C-T.
Other names: c.1271C>T (NM_032977.3); c.1070C>T, p.Thr357Ile (NM_001206524.2); c.1142C>T, p.Thr381Ile (NM_001206542.2, NM_001230.5); c.1271C>T, p.Thr424Ile (NM_032974.5); c.*357C>T (NM_032976.4); short protein forms T424I, T381I, T357I.
Identifiers: ClinVar variation 625903 (VCV000625903.8), dbSNP rs1559309649, ClinGen allele CA350292432.
Genomic context (GRCh38, chr2:201,209,418, plus strand): 5'-AAGAGATACAGCCTTCCGTATCCATCGAAGCAGATGCTCTGAACCCTGAGCAGGCACCCA[C>T]TTCCCTGCAGGACAGTATTCCTGCCGAGGCTGACTTCCTACTTGGTCTGGCCACTGTCCC-3'
Protein context (NP_116759.2, residues 414-434): ADALNPEQAP[Thr424Ile]SLQDSIPAEA